The following is an entry in ClinVar:

ClinVar aggregate classification (germline): Conflicting classifications of pathogenicity. Review status: criteria provided, conflicting classifications (1 of 4 stars). 2 submissions from 2 submitters: Likely pathogenic (1); Uncertain significance (1). Last evaluated 2025-10-09.

Conditions:
Hereditary cancer-predisposing syndrome. Also called: Hereditary Cancer Syndrome; Neoplastic Syndromes, Hereditary; Hereditary neoplastic syndrome; Tumor predisposition. Identifiers: Orphanet 140162, MedGen C0027672, MeSH D009386, MONDO:0015356.

Submissions (2):

Women's Health and Genetics/Laboratory Corporation of America, LabCorp
Classification: Uncertain significance. Last evaluated: 2025-10-09. Review status: criteria provided, single submitter. Criteria: LabCorp Variant Classification Summary - May 2015. Collection method: clinical testing. Allele origin: germline.
Comment: Variant summary: MEN1 c.1258A>T (p.Ile420Phe) results in a non-conservative amino acid change in the encoded protein sequence. Algorithms developed to predict the effect of missense changes on protein structure and function all suggest that this variant is likely to be disruptive. The variant was absent in 250996 control chromosomes (gnomAD). The available data on variant occurrences in the general population are insufficient to allow any conclusion about variant significance. To our knowledge, no occurrence of c.1258A>T in individuals affected with MEN1-related conditions and no experimental evidence demonstrating its impact on protein function have been reported. ClinVar contains an entry for this variant (Variation ID: 428069). Based on the evidence outlined above, the variant was classified as uncertain significance.

Ambry Genetics
Classification: Likely pathogenic for Hereditary cancer-predisposing syndrome. Last evaluated: 2025-06-16. Review status: criteria provided, single submitter. Criteria: Ambry Variant Classification Scheme 2023. Collection method: clinical testing. Allele origin: germline.
Comment: The p.I420F variant (also known as c.1258A>T), located in coding exon 8 of the MEN1 gene, results from an A to T substitution at nucleotide position 1258. The isoleucine at codon 420 is replaced by phenylalanine, an amino acid with highly similar properties. This variant was reported in individual(s) with features consistent with multiple endocrine neoplasia type 1 (MEN1) (Ambry internal data). This amino acid position is highly conserved in available vertebrate species. In addition, this alteration is predicted to be deleterious by in silico analysis. Internal structural analysis for the p.I420F indicated that this alteration is buried in the hydrophobic core of the MEN1 MLL-binding domain, packed against surrounding non-polar side-chains (Ambry internal data). This variant is considered to be rare based on population cohorts in the Genome Aggregation Database (gnomAD). Based on the majority of available evidence to date, this variant is likely to be pathogenic.

NM_001370259.2(MEN1):c.1258A>T (p.Ile420Phe)

Gene: MEN1 (menin 1; minus strand). Cytogenetic location: 11q13.1.
Variant type: single nucleotide variant.
Coding change: c.1258A>T on transcript NM_001370259.2 (MANE Select); coding-DNA position 1258, A replaced by T.
Protein change: p.Ile420Phe; replaces isoleucine 420 with phenylalanine.
Molecular consequence: missense variant.
Genome position (GRCh38, 1-based): chr11:64,805,126, T>A on the plus strand (A>T on the coding strand, the complement: MEN1 is on the minus strand). VCF-style: chr11-64805126-T-A. GRCh37 (hg19) VCF-style: chr11-64572598-T-A.
Other names: c.1273A>T, p.Ile425Phe (NM_000244.4, NM_130800.3, NM_130801.3 and 3 more transcripts); c.1384A>T, p.Ile462Phe (NM_001370251.2); c.1258A>T, p.Ile420Phe (NM_001370260.2, NM_001370261.2, NM_130799.3); c.1153A>T, p.Ile385Phe (NM_001370262.2, NM_001370263.2); short protein forms I420F, I425F, I385F, I462F.
Identifiers: ClinVar variation 428069 (VCV000428069.8), dbSNP rs1114167526, ClinGen allele CA381180479.
Genomic context (GRCh38, chr11:64,805,126, plus strand): 5'-GAAAGGTGGCCCAGCCCACATGCAGCACAGGCGTGGGACTGCCCTCCTCCCATTTGCAGA[T>A]GCCGTCGTAGAATCGCAGCAGGTGGGCGAAGCACTCAGGGTCCTGGAGGGCGGAACCTTG-3'
Protein context (NP_001357188.2, residues 410-430): FAHLLRFYDG[Ile420Phe]CKWEEGSPTP